The following is an entry in ClinVar:

ClinVar aggregate classification (germline): Uncertain significance. Review status: criteria provided, single submitter (1 of 4 stars). 2 submissions from 2 submitters: Uncertain significance (1). 1 of the submissions does not count toward it. Last evaluated 2022-09-27.

Conditions:
Enhanced S-cone syndrome (ESCS). Identifiers: Orphanet 53540, MedGen C1849394, MONDO:0100288, MONDO:0009989.

Allele frequency attached by ClinVar (database versions not stated): gnomAD exomes 0.00001 and below 0.00001.
gnomAD v4.1: 2 of 1,614,010 alleles (0.00012%); highest among the groups gnomAD compares: Admixed American, 0.0033%; no homozygotes.

Submissions (2):

Labcorp Genetics (formerly Invitae), Labcorp
Classification: Uncertain significance. Last evaluated: 2022-09-27. Review status: criteria provided, single submitter. Criteria: Invitae Variant Classification Sherloc (09022015). Collection method: clinical testing. Allele origin: germline.
Comment: This sequence change replaces alanine, which is neutral and non-polar, with aspartic acid, which is acidic and polar, at codon 225 of the NR2E3 protein (p.Ala225Asp). This variant is present in population databases (no rsID available, gnomAD 0.006%). This variant has not been reported in the literature in individuals affected with NR2E3-related conditions. ClinVar contains an entry for this variant (Variation ID: 1038959). In summary, the available evidence is currently insufficient to determine the role of this variant in disease. Therefore, it has been classified as a Variant of Uncertain Significance.

Natera, Inc.
Classification: Uncertain significance for Enhanced S cone syndrome. Last evaluated: 2021-08-09. Review status: no assertion criteria provided. Collection method: clinical testing. Allele origin: germline. Not counted in ClinVar's aggregate classification.

NM_014249.4(NR2E3):c.674C>A (p.Ala225Asp)

Gene: NR2E3 (nuclear receptor subfamily 2 group E member 3; plus strand). Cytogenetic location: 15q23.
Variant type: single nucleotide variant.
Coding change: c.674C>A on transcript NM_014249.4 (MANE Select); coding-DNA position 674, C replaced by A.
Protein change: p.Ala225Asp; replaces alanine 225 with aspartic acid.
Molecular consequence: missense variant.
Genome position (GRCh38, 1-based): chr15:71,812,438, C>A. VCF-style: chr15-71812438-C-A. GRCh37 (hg19) VCF-style: chr15-72104778-C-A.
Other names: c.674C>A, p.Ala225Asp (NM_016346.4); short protein forms A225D.
Identifiers: ClinVar variation 1038959 (VCV001038959.7), dbSNP rs1301549811, ClinGen allele CA393035438.